The following is an entry in ClinVar:

ClinVar aggregate classification (germline): Benign (1 of 4 stars; one submission).

Allele frequency attached by ClinVar (database versions not stated): 1000 Genomes Project 0.47145; 1000 Genomes Project 30x 0.47283; TOPMed 0.49646.
gnomAD v4.1: 698,729 of 1,502,916 alleles (46%); highest among the groups gnomAD compares: African/African-American, 60%; 164,959 homozygotes.

Submission:

Unidad de Genómica Garrahan, Hospital de Pediatría Garrahan
Classification: Benign. Last evaluated: 2023-11-12. Review status: criteria provided, single submitter. Criteria: ACMG Guidelines, 2015. Collection method: clinical testing. Allele origin: germline. Affected: no. Observed: 52 variant alleles.
Comment: This variant is classified as Benign based on local population frequency. This variant was detected in 54% of patients studied by a panel of primary immunodeficiencies. Number of patients: 52. Only high quality variants are reported.

NM_001330588.2(TPP2):c.1837-54G>C

Gene: TPP2 (tripeptidyl peptidase 2; plus strand). Cytogenetic location: 13q33.1.
Variant type: single nucleotide variant.
Coding change: c.1837-54G>C on transcript NM_001330588.2 (MANE Select); 54 bases into the intron before coding-DNA position 1837, G replaced by C.
Molecular consequence: intron variant.
Genome position (GRCh38, 1-based): chr13:102,638,185, G>C. VCF-style: chr13-102638185-G-C. GRCh37 (hg19) VCF-style: chr13-103290535-G-C.
Other names: c.1837-54G>C (NM_001367947.1, NM_003291.4).
Identifiers: ClinVar variation 2628161 (VCV002628161.2), dbSNP rs613926, ClinGen allele CA13900338.